The following is an entry in ClinVar:

NM_000283.4(PDE6B):c.616G>A (p.Glu206Lys)

Gene: PDE6B (phosphodiesterase 6B; plus strand). Cytogenetic location: 4p16.3.
Variant type: single nucleotide variant.
Coding change: c.616G>A on transcript NM_000283.4 (MANE Select); coding-DNA position 616, G replaced by A.
Protein change: p.Glu206Lys; replaces glutamic acid 206 with lysine.
Molecular consequence: missense variant.
Genome position (GRCh38, 1-based): chr4:634,824, G>A. VCF-style: chr4-634824-G-A. GRCh37 (hg19) VCF-style: chr4-628613-G-A.
Other names: c.616G>A, p.Glu206Lys (NM_001145291.2, NM_001440547.1, NM_001440548.1); short protein forms E206K.
Identifiers: ClinVar variation 4696413 (VCV004696413.1).

ClinVar aggregate classification (germline): Uncertain significance (1 of 4 stars; one submission).

Submission:

Labcorp Genetics (formerly Invitae), Labcorp
Classification: Uncertain significance. Last evaluated: 2025-12-22. Review status: criteria provided, single submitter. Criteria: Invitae Variant Classification Sherloc (09022015). Collection method: clinical testing. Allele origin: germline.
Comment: This sequence change replaces glutamic acid, which is acidic and polar, with lysine, which is basic and polar, at codon 206 of the PDE6B protein (p.Glu206Lys). This variant is present in population databases (rs140444984, gnomAD 0.02%). This variant has not been reported in the literature in individuals affected with PDE6B-related conditions. Invitae Evidence Modeling of protein sequence and biophysical properties (such as structural, functional, and spatial information, amino acid conservation, physicochemical variation, residue mobility, and thermodynamic stability) has been performed for this missense variant. However, the output from this modeling did not meet the statistical confidence thresholds required to predict the impact of this variant on PDE6B protein function. In summary, the available evidence is currently insufficient to determine the role of this variant in disease. Therefore, it has been classified as a Variant of Uncertain Significance.